The following is an entry in ClinVar:

ClinVar aggregate classification (germline): Pathogenic. Review status: criteria provided, multiple submitters, no conflicts (2 of 4 stars). 2 submissions from 2 submitters: Pathogenic (2). Last evaluated 2024-09-12.

Conditions:
Neurofibromatosis, type 1 (NF1). Also called: NEUROFIBROMATOSIS, TYPE I, SOMATIC; Neurofibromatosis, type I; Peripheral type neurofibromatosis; VON RECKLINGHAUSEN DISEASE. Identifiers: Orphanet 636, MedGen C0027831, MONDO:0018975, OMIM 162200. Disease mechanism: loss of function.
Hereditary cancer-predisposing syndrome. Also called: Hereditary Cancer Syndrome; Hereditary neoplastic syndrome; Neoplastic Syndromes, Hereditary; Tumor predisposition. Identifiers: Orphanet 140162, MedGen C0027672, MeSH D009386, MONDO:0015356.
Cardiovascular phenotype. Identifiers: MedGen CN230736.

Submissions (2):

Ambry Genetics
Classification: Pathogenic for Cardiovascular phenotype; Hereditary cancer-predisposing syndrome. Last evaluated: 2024-09-12. Review status: criteria provided, single submitter. Criteria: Ambry Variant Classification Scheme 2023. Collection method: clinical testing. Allele origin: germline.
Comment: The p.C124* pathogenic mutation (also known as c.372T>A), located in coding exon 4 of the NF1 gene, results from a T to A substitution at nucleotide position 372. This changes the amino acid from a cysteine to a stop codon within coding exon 4. This variant is considered to be rare based on population cohorts in the Genome Aggregation Database (gnomAD). This alteration is expected to result in loss of function by premature protein truncation or nonsense-mediated mRNA decay. As such, this alteration is interpreted as a disease-causing mutation.

Labcorp Genetics (formerly Invitae), Labcorp
Classification: Pathogenic for Neurofibromatosis, type 1. Last evaluated: 2024-03-18. Review status: criteria provided, single submitter. Criteria: Invitae Variant Classification Sherloc (09022015). Collection method: clinical testing. Allele origin: germline.
Comment: This sequence change creates a premature translational stop signal (p.Cys124*) in the NF1 gene. It is expected to result in an absent or disrupted protein product. Loss-of-function variants in NF1 are known to be pathogenic (PMID: 10712197, 23913538). This variant is not present in population databases (gnomAD no frequency). This variant has not been reported in the literature in individuals affected with NF1-related conditions. For these reasons, this variant has been classified as Pathogenic.

Literature cited by the submitters: PubMed 10712197 (cited by Labcorp Genetics (formerly Invitae), Labcorp); PubMed 23913538 (cited by Labcorp Genetics (formerly Invitae), Labcorp).

NM_001042492.3(NF1):c.372T>A (p.Cys124Ter)

Gene: NF1 (neurofibromin 1; plus strand). Cytogenetic location: 17q11.2.
Variant type: single nucleotide variant.
Coding change: c.372T>A on transcript NM_001042492.3 (MANE Select); coding-DNA position 372, T replaced by A.
Protein change: p.Cys124Ter; replaces cysteine 124 with a stop codon.
Molecular consequence: nonsense.
Genome position (GRCh38, 1-based): chr17:31,163,269, T>A. VCF-style: chr17-31163269-T-A. GRCh37 (hg19) VCF-style: chr17-29490287-T-A.
Other names: c.372T>A, p.Cys124Ter (NM_000267.4, NM_001128147.3); short protein forms C124*.
Identifiers: ClinVar variation 3404722 (VCV003404722.3).